The following is an entry in ClinVar:

ClinVar aggregate classification (germline): Likely pathogenic (0 of 4 stars; one submission).

Conditions:
ANKRD11-related disorder. Also called: ANKRD11-related condition.

Submission:

PreventionGenetics, part of Exact Sciences
Classification: Likely pathogenic for ANKRD11-related condition. Last evaluated: 2024-05-01. Review status: no assertion criteria provided. Collection method: clinical testing. Allele origin: germline.
Comment: The ANKRD11 c.2296_2297delAA variant is predicted to result in a frameshift and premature protein termination (p.Lys766Glufs*15). To our knowledge, this variant has not been reported in the literature or in a large population database, indicating this variant is rare. Frameshift variants in ANKRD11 are expected to be pathogenic. This variant is interpreted as likely pathogenic.

NM_013275.6(ANKRD11):c.2296_2297del (p.Lys766fs)

Gene: ANKRD11 (ankyrin repeat domain containing 11; minus strand). Cytogenetic location: 16q24.3.
Variant type: Deletion.
Coding change: c.2296_2297del on transcript NM_013275.6 (MANE Select); coding-DNA positions 2296 to 2297, 2 bases deleted (AA; older notation c.2296_2297delAA).
Protein change: p.Lys766fs; shifts the reading frame from lysine 766.
Molecular consequence: frameshift variant.
Genome position (GRCh38, 1-based): chr16:89,284,245-89,284,246, TT deleted on the plus strand (AA on the coding strand, the reverse complement: ANKRD11 is on the minus strand); deleting any 2 consecutive bases within chr16:89,284,245-89,284,247 gives the same sequence; the c. name uses the placement nearest the transcript's 3' end. VCF-style (leftmost placement, unchanged base first): chr16-89284244-CTT-C. GRCh37 (hg19) VCF-style: chr16-89350652-CTT-C.
Other names: c.2296_2297del, p.Lys766fs (NM_001256182.2, NM_001256183.2); short protein forms K766fs.
Identifiers: ClinVar variation 3344709 (VCV003344709.1).